The following is an entry in ClinVar:

ClinVar aggregate classification (germline): Likely benign (1 of 4 stars; one submission).

Submission:

CeGaT Center for Human Genetics Tuebingen
Classification: Likely benign. Last evaluated: 2023-11-01. Review status: criteria provided, single submitter. Criteria: CeGaT Center For Human Genetics Tuebingen Variant Classification Criteria Version 2. Collection method: clinical testing. Allele origin: germline. Affected: yes. Observed: 1 variant allele.
Comment: CDK13: PM2:Supporting, BP4, BP7

NM_003718.5(CDK13):c.561C>T (p.Thr187=)

Genes: CDK13 (cyclin dependent kinase 13; plus strand), LOC129998293 (ATAC-STARR-seq lymphoblastoid silent region 18116; plus strand). Cytogenetic location: 7p14.1.
Variant type: single nucleotide variant.
Coding change: c.561C>T on transcript NM_003718.5 (MANE Select); coding-DNA position 561, C replaced by T.
Protein change: p.Thr187=; no amino-acid change (threonine 187 retained).
Molecular consequence: synonymous variant.
Genome position (GRCh38, 1-based): chr7:39,951,202, C>T. VCF-style: chr7-39951202-C-T. GRCh37 (hg19) VCF-style: chr7-39990801-C-T.
Other names: c.561C>T, p.Thr187= (NM_031267.4).
Identifiers: ClinVar variation 2673100 (VCV002673100.23), dbSNP rs2483672215, ClinGen allele CA454873379.